The following is an entry in ClinVar:

ClinVar aggregate classification (germline): Likely benign (1 of 4 stars; one submission).

Allele frequency attached by ClinVar (database versions not stated): gnomAD exomes 0.00002; gnomAD 0.00003; TOPMed 0.00006; ExAC 0.00007.
gnomAD v4.1: 26 of 1,169,000 alleles (0.0022%); highest among the groups gnomAD compares: East Asian, 0.003%; no homozygotes.

Submission:

CeGaT Center for Human Genetics Tuebingen
Classification: Likely benign. Last evaluated: 2022-10-01. Review status: criteria provided, single submitter. Criteria: CeGaT Center For Human Genetics Tuebingen Variant Classification Criteria Version 2. Collection method: clinical testing. Allele origin: germline. Affected: yes. Observed: 1 variant allele.
Comment: KLF8: BS2

NM_007250.5(KLF8):c.*3C>T

Gene: KLF8 (KLF transcription factor 8; plus strand). Cytogenetic location: Xp11.21.
Variant type: single nucleotide variant.
Coding change: c.*3C>T on transcript NM_007250.5 (MANE Select); 3 bases downstream of the stop codon, C replaced by T.
Molecular consequence: 3 prime UTR variant. On other transcripts: non-coding transcript variant (2).
Genome position (GRCh38, 1-based): chrX:56,284,497, C>T. VCF-style: chrX-56284497-C-T. GRCh37 (hg19) VCF-style: chrX-56310930-C-T.
Other names: c.*169C>T (NM_001159296.2, NM_001324099.1); c.*3C>T (NM_001324100.1, NM_001324102.1, NM_001324104.1 and 1 more transcripts).
Identifiers: ClinVar variation 2660708 (VCV002660708.24), dbSNP rs749126061, ClinGen allele CA10430010.